The following is an entry in ClinVar:

NM_001199107.2(TBC1D24):c.1570C>T (p.Arg524Trp)

Gene: TBC1D24 (TBC1 domain family member 24; plus strand). Cytogenetic location: 16p13.3.
Variant type: single nucleotide variant.
Coding change: c.1570C>T on transcript NM_001199107.2 (MANE Select); coding-DNA position 1570, C replaced by T.
Protein change: p.Arg524Trp; replaces arginine 524 with tryptophan.
Molecular consequence: missense variant.
Genome position (GRCh38, 1-based): chr16:2,500,848, C>T. VCF-style: chr16-2500848-C-T. GRCh37 (hg19) VCF-style: chr16-2550849-C-T.
Other names: c.1552C>T, p.Arg518Trp (NM_020705.3); short protein forms R524W, R518W.
Identifiers: ClinVar variation 227980 (VCV000227980.42), dbSNP rs78644690, ClinGen allele CA7844347.
Genomic context (GRCh38, chr16:2,500,848, plus strand): 5'-CCTGAGCATCCTGCAGGGGGAGGAGGCGGCCAGGCGCTCTACATCGATGGGGACCTGAAC[C>T]GGGGCCGCACAAGCCACTGCGACACCTTCAACAACCAGCCCCTCTGCTCCGAGAACTTCC-3'
Protein context (NP_001186036.1, residues 514-534): QALYIDGDLN[Arg524Trp]GRTSHCDTFN

ClinVar aggregate classification (germline): Conflicting classifications of pathogenicity. Review status: criteria provided, conflicting classifications (1 of 4 stars). 7 submissions from 7 submitters: Uncertain significance (3); Likely benign (4). Last evaluated 2025-10-20.

Conditions:
Rolandic epilepsy-paroxysmal exercise-induced dystonia-writer's cramp syndrome. Also called: TBC1D24-Related Rolandic Epilepsy with Paroxysmal Exercise-Induced Dystonia and Writer's Cramp (EPRPDC); RE-PED-WC. Identifiers: Orphanet 163727, MedGen C1842531, MONDO:0011970, OMIM 608105.
Inborn genetic diseases. Identifiers: MedGen C0950123, MeSH D030342.
Developmental and epileptic encephalopathy, 1 (DEE1). Also called: Epileptic encephalopathy, early infantile, 1; X-linked infantile spasms; West's syndrome; Tonic spasms with clustering, arrest of psychomotor development and hypsarrhythmia on EEG; X-Linked Infantile Spasm Syndrome; OHTAHARA SYNDROME, X-LINKED. Identifiers: MedGen C3463992, MONDO:0010632, OMIM 308350. Disease mechanism: loss of function.
Autosomal dominant nonsyndromic hearing loss 65. Also called: TBC1D24-Related Autosomal Dominant Nonsyndromic Hearing Loss (DFNA); Deafness, autosomal dominant 65. Identifiers: Orphanet 90635, MedGen C3892048, MONDO:0014470, OMIM 616044.
Familial infantile myoclonic epilepsy (FIME). Also called: Epilepsy, Myoclonic, Infantile; TBC1D24-Related Familial Infantile Myoclonic Epilepsy (FIME). Identifiers: Orphanet 352582, MedGen C0917800, MONDO:0011506, OMIM 605021.

Allele frequency attached by ClinVar (database versions not stated): ExAC 0.00029; ESP Exome Variant Server 0.00008; gnomAD exomes 0.00030; TOPMed 0.00028; gnomAD 0.00035.
gnomAD v4.1: 203 of 1,609,584 alleles (0.013%); highest among the groups gnomAD compares: East Asian, 0.36%; 2 homozygotes.

Submissions (7):

Labcorp Genetics (formerly Invitae), Labcorp
Classification: Likely benign for Developmental and epileptic encephalopathy, 1; Autosomal dominant nonsyndromic hearing loss 65. Last evaluated: 2025-10-20. Review status: criteria provided, single submitter. Criteria: Invitae Variant Classification Sherloc (09022015). Collection method: clinical testing. Allele origin: germline.

Department of Neurology, Xijing Hospital, Fourth Military Medical University
Classification: Uncertain significance for Rolandic epilepsy-paroxysmal exercise-induced dystonia-writer's cramp syndrome. Last evaluated: 2022-03-01. Review status: criteria provided, single submitter. Criteria: ACMG Guidelines, 2015. Collection method: clinical testing. Allele origin: germline.

GeneDx
Classification: Likely benign. Last evaluated: 2021-05-13. Review status: criteria provided, single submitter. Criteria: GeneDx Variant Classification Process June 2021. Collection method: clinical testing. Allele origin: germline. Affected: yes.
Comment: This variant is associated with the following publications: (PMID: 24291220)

Illumina Laboratory Services, Illumina
Classification: Uncertain significance for Familial infantile myoclonic epilepsy. Last evaluated: 2018-01-12. Review status: criteria provided, single submitter. Criteria: ICSL Variant Classification Criteria 13 December 2019. Collection method: clinical testing. Allele origin: germline.

Ambry Genetics
Classification: Uncertain significance for Inborn genetic diseases. Last evaluated: 2017-02-07. Review status: criteria provided, single submitter. Criteria: Ambry Variant Classification Scheme 2023. Collection method: clinical testing. Allele origin: germline.
Comment: The p.R524W variant (also known as c.1570C>T), located in coding exon 7 of the TBC1D24 gene, results from a C to T substitution at nucleotide position 1570. The arginine at codon 524 is replaced by tryptophan, an amino acid with dissimilar properties. This amino acid position is highly conserved through mammals but not in all available vertebrate species. In addition, this alteration is predicted to be tolerated by in silico analysis. Since supporting evidence is limited at this time, the clinical significance of this variant remains unclear.

Laboratory for Molecular Medicine, Mass General Brigham Personalized Medicine
Classification: Likely benign. Last evaluated: 2015-11-12. Review status: criteria provided, single submitter. Criteria: LMM Criteria. Collection method: clinical testing. Allele origin: germline. Observed: 1 variant allele.
Comment: p.Arg524Trp in exon 8 of TBC1D24: This variant is not expected to have clinical significance because it has been identified in 0.33% (21/8102) of East Asian chr omosomes by the Exome Aggregation Consortium (ExAC, rg; dbSNP rs78644690).

Genetic Testing Center for Deafness, Department of Otolaryngology Head & Neck Surgery, Institute of Otolaryngology, Chinese PLA General Hospital
Classification: Likely benign for Autosomal dominant nonsyndromic hearing loss 65. Review status: criteria provided, single submitter. Criteria: ClinGen HL ACMG Specifications v1. Collection method: case-control. Allele origin: maternal. Affected: no. Observed: 2 variant alleles.

Literature cited by the submitters: PubMed 24291220 (cited by Laboratory for Molecular Medicine, Mass General Brigham Personalized Medicine).